The following is an entry in ClinVar:

NM_015178.3(RHOBTB2):c.558T>C (p.Tyr186=)

Gene: RHOBTB2 (Rho related BTB domain containing 2; plus strand). Cytogenetic location: 8p21.3.
Variant type: single nucleotide variant.
Coding change: c.558T>C on transcript NM_015178.3 (MANE Select); coding-DNA position 558, T replaced by C.
Protein change: p.Tyr186=; no amino-acid change (tyrosine 186 retained).
Molecular consequence: synonymous variant.
Genome position (GRCh38, 1-based): chr8:23,006,803, T>C. VCF-style: chr8-23006803-T-C. GRCh37 (hg19) VCF-style: chr8-22864316-T-C.
Other names: c.624T>C, p.Tyr208= (NM_001160036.2); c.579T>C, p.Tyr193= (NM_001160037.2); c.558T>C, p.Tyr186= (NM_001374791.1); c.624T>C (NM_001160036.1).
Identifiers: ClinVar variation 1673958 (VCV001673958.11), dbSNP rs755981520, ClinGen allele CA4672481.

ClinVar aggregate classification (germline): Likely benign. Review status: criteria provided, multiple submitters, no conflicts (2 of 4 stars). 3 submissions from 3 submitters: Likely benign (2). 1 of the submissions does not count toward it. Last evaluated 2026-01-09.

Conditions:
RHOBTB2-related disorder. Also called: RHOBTB2-related condition.

Allele frequency attached by ClinVar (database versions not stated): gnomAD exomes 0.00001 and 0.00002; ExAC 0.00002; TOPMed 0.00002; gnomAD 0.00003.
gnomAD v4.1: 22 of 1,613,832 alleles (0.0014%); highest among the groups gnomAD compares: Non-Finnish European, 0.0019%; no homozygotes.

Submissions (3):

Labcorp Genetics (formerly Invitae), Labcorp
Classification: Likely benign. Last evaluated: 2026-01-09. Review status: criteria provided, single submitter. Criteria: Invitae Variant Classification Sherloc (09022015). Collection method: clinical testing. Allele origin: germline.

Blueprint Genetics
Classification: Likely benign. Last evaluated: 2024-05-13. Review status: criteria provided, single submitter. Criteria: ACMG Guidelines, 2015. Collection method: clinical testing. Allele origin: germline.

PreventionGenetics, part of Exact Sciences
Classification: Likely benign for RHOBTB2-related condition. Last evaluated: 2022-08-08. Review status: no assertion criteria provided. Collection method: clinical testing. Allele origin: germline. Not counted in ClinVar's aggregate classification.
Comment: This variant is classified as likely benign based on ACMG/AMP sequence variant interpretation guidelines (Richards et al. 2015 PMID: 25741868, with internal and published modifications).